The following is an entry in ClinVar:

ClinVar aggregate classification (germline): Conflicting classifications of pathogenicity. Review status: criteria provided, conflicting classifications (1 of 4 stars). 2 submissions from 2 submitters: Uncertain significance (1); Likely benign (1). Last evaluated 2024-05-15.

Conditions:
ALG12-congenital disorder of glycosylation (CDG1G). Also called: ALG12-CDG; CDG Ig; Congenital disorder of glycosylation, type Ig. Identifiers: Orphanet 79324, MedGen C2931001, MONDO:0011783, OMIM 607143.
Inborn genetic diseases. Identifiers: MedGen C0950123, MeSH D030342.

Allele frequency attached by ClinVar (database versions not stated): gnomAD 0.00003; ExAC 0.00004; gnomAD exomes 0.00004; TOPMed 0.00004.
gnomAD v4.1: 134 of 1,613,650 alleles (0.0083%); highest among the groups gnomAD compares: Non-Finnish European, 0.0099%; no homozygotes.

Submissions (2):

Labcorp Genetics (formerly Invitae), Labcorp
Classification: Uncertain significance for ALG12-congenital disorder of glycosylation. Last evaluated: 2024-05-15. Review status: criteria provided, single submitter. Criteria: Invitae Variant Classification Sherloc (09022015). Collection method: clinical testing. Allele origin: germline.
Comment: This sequence change replaces arginine, which is basic and polar, with glutamine, which is neutral and polar, at codon 10 of the ALG12 protein (p.Arg10Gln). This variant is present in population databases (rs778413165, gnomAD 0.02%). This variant has not been reported in the literature in individuals affected with ALG12-related conditions. ClinVar contains an entry for this variant (Variation ID: 1415660). Algorithms developed to predict the effect of missense changes on protein structure and function output the following: SIFT: "Not Available"; PolyPhen-2: "Benign"; Align-GVGD: "Not Available". The glutamine amino acid residue is found in multiple mammalian species, which suggests that this missense change does not adversely affect protein function. In summary, the available evidence is currently insufficient to determine the role of this variant in disease. Therefore, it has been classified as a Variant of Uncertain Significance.

Ambry Genetics
Classification: Likely benign for Inborn genetic diseases. Last evaluated: 2023-06-26. Review status: criteria provided, single submitter. Criteria: Ambry Variant Classification Scheme 2023. Collection method: clinical testing. Allele origin: germline.

NM_024105.4(ALG12):c.29G>A (p.Arg10Gln)

Gene: ALG12 (ALG12 alpha-1,6-mannosyltransferase; minus strand). Cytogenetic location: 22q13.33.
Variant type: single nucleotide variant.
Coding change: c.29G>A on transcript NM_024105.4 (MANE Select); coding-DNA position 29, G replaced by A.
Protein change: p.Arg10Gln; replaces arginine 10 with glutamine.
Molecular consequence: missense variant.
Genome position (GRCh38, 1-based): chr22:49,913,737, C>T on the plus strand (G>A on the coding strand, the complement: ALG12 is on the minus strand). VCF-style: chr22-49913737-C-T. GRCh37 (hg19) VCF-style: chr22-50307385-C-T.
Other names: c.29G>A (NM_024105.3); short protein forms R10Q.
Identifiers: ClinVar variation 1415660 (VCV001415660.8), dbSNP rs778413165, ClinGen allele CA10300755.